The following is an entry in ClinVar:

ClinVar aggregate classification (germline): Uncertain significance (1 of 4 stars; one submission).

Allele frequency attached by ClinVar (database versions not stated): TOPMed below 0.00001; ExAC 0.00002; ESP Exome Variant Server 0.00008.

Submission:

Ambry Genetics
Classification: Uncertain significance. Last evaluated: 2022-12-27. Review status: criteria provided, single submitter. Criteria: Ambry Variant Classification Scheme 2023. Collection method: clinical testing. Allele origin: germline.
Comment: The p.A46V variant (also known as c.137C>T), located in coding exon 1 of the BUB3 gene, results from a C to T substitution at nucleotide position 137. The alanine at codon 46 is replaced by valine, an amino acid with similar properties. This amino acid position is conserved. In addition, this alteration is predicted to be tolerated by in silico analysis. Since supporting evidence is limited at this time, the clinical significance of this alteration remains unclear.

NM_004725.4(BUB3):c.137C>T (p.Ala46Val)

Gene: BUB3 (BUB3 mitotic checkpoint protein; plus strand). Cytogenetic location: 10q26.13.
Variant type: single nucleotide variant.
Coding change: c.137C>T on transcript NM_004725.4 (MANE Select); coding-DNA position 137, C replaced by T.
Protein change: p.Ala46Val; replaces alanine 46 with valine.
Molecular consequence: missense variant.
Genome position (GRCh38, 1-based): chr10:123,155,054, C>T. VCF-style: chr10-123155054-C-T. GRCh37 (hg19) VCF-style: chr10-124914570-C-T.
Other names: c.137C>T, p.Ala46Val (NM_001007793.3); short protein forms A46V.
Identifiers: ClinVar variation 2496827 (VCV002496827.2), dbSNP rs369470443, ClinGen allele CA5731497.